The following is an entry in ClinVar:

NM_000135.4(FANCA):c.2266C>T (p.Arg756Cys)

Gene: FANCA (FA complementation group A; minus strand). Cytogenetic location: 16q24.3.
Variant type: single nucleotide variant.
Coding change: c.2266C>T on transcript NM_000135.4 (MANE Select); coding-DNA position 2266, C replaced by T.
Protein change: p.Arg756Cys; replaces arginine 756 with cysteine.
Molecular consequence: missense variant.
Genome position (GRCh38, 1-based): chr16:89,770,216, G>A on the plus strand (C>T on the coding strand, the complement: FANCA is on the minus strand). VCF-style: chr16-89770216-G-A. GRCh37 (hg19) VCF-style: chr16-89836624-G-A.
Other names: c.2266C>T, p.Arg756Cys (NM_001286167.3); short protein forms R756C.
Identifiers: ClinVar variation 1428431 (VCV001428431.10), dbSNP rs556748657, ClinGen allele CA8251807.

ClinVar aggregate classification (germline): Conflicting classifications of pathogenicity. Review status: criteria provided, conflicting classifications (1 of 4 stars). 3 submissions from 3 submitters: Uncertain significance (2); Benign (1). Last evaluated 2025-12-31.

Conditions:
Fanconi anemia (FA). Also called: Fanconi's anemia. Identifiers: Orphanet 84, MedGen C0015625, MeSH D005199, MONDO:0019391.
Fanconi anemia complementation group A (FANCA). Also called: FANCA-Related Fanconi Anemia; Fanconi anemia, group A. Identifiers: Orphanet 84, MedGen C3469521, MONDO:0009215, OMIM 227650.

Allele frequency attached by ClinVar (database versions not stated): gnomAD 0.00002; gnomAD exomes 0.00004 and 0.00012; 1000 Genomes Project 30x 0.00016; 1000 Genomes Project 0.00020; ExAC 0.00027.
gnomAD v4.1: 59 of 1,593,022 alleles (0.0037%); highest among the groups gnomAD compares: South Asian, 0.063%; no homozygotes.

Submissions (3):

Labcorp Genetics (formerly Invitae), Labcorp
Classification: Benign for Fanconi anemia. Last evaluated: 2025-12-31. Review status: criteria provided, single submitter. Criteria: Invitae Variant Classification Sherloc (09022015). Collection method: clinical testing. Allele origin: germline.

Women's Health and Genetics/Laboratory Corporation of America, LabCorp
Classification: Uncertain significance. Last evaluated: 2022-05-18. Review status: criteria provided, single submitter. Criteria: LabCorp Variant Classification Summary - May 2015. Collection method: clinical testing. Allele origin: germline.
Comment: Variant summary: FANCA c.2266C>T (p.Arg756Cys) results in a non-conservative amino acid change in the encoded protein sequence. Four of five in-silico tools predict a benign effect of the variant on protein function. The variant allele was found at a frequency of 0.00012 in 211904 control chromosomes, predominantly at a frequency of 0.00091 within the South Asian subpopulation in the gnomAD database. This frequency is not higher than estimated maximum expected for a pathogenic variant in FANCA causing Fanconi Anemia (0.0022), allowing no conclusion about variant significance. The variant, c.2266C>T, has been reported in the literature in homozygous state in an individual affected with Fanconi Anemia (Kimble_2018). The authors of this study also reported experimental evidence evaluating an impact on protein function, and demonstrated that the R756C variant protein did not fully complement FANCA-null cells, and it was expressed very poorly and although it was localized to the nucleus, staining was weak (Kimble_2018). No clinical diagnostic laboratories have submitted clinical-significance assessments for this variant to ClinVar after 2014. Based on the evidence outlined above, the variant was classified as VUS-possibly pathogenic.

Fulgent Genetics
Classification: Uncertain significance for Fanconi anemia complementation group A. Last evaluated: 2022-05-04. Review status: criteria provided, single submitter. Criteria: ACMG Guidelines, 2015. Collection method: clinical testing. Allele origin: unknown.

Literature cited by the submitters: PubMed 29098742 (cited by Women's Health and Genetics/Laboratory Corporation of America, LabCorp).